The following is an entry in ClinVar:

ClinVar aggregate classification (germline): Pathogenic (1 of 4 stars; one submission).

gnomAD v4.1: 1 of 1,614,168 alleles (0.000062%); highest among the groups gnomAD compares: East Asian, 0.0022%; no homozygotes.

Submission:

Labcorp Genetics (formerly Invitae), Labcorp
Classification: Pathogenic. Last evaluated: 2022-11-29. Review status: criteria provided, single submitter. Criteria: Invitae Variant Classification Sherloc (09022015). Collection method: clinical testing. Allele origin: germline.
Comment: Advanced modeling of protein sequence and biophysical properties (such as structural, functional, and spatial information, amino acid conservation, physicochemical variation, residue mobility, and thermodynamic stability) performed at Invitae indicates that this missense variant is expected to disrupt ABCA4 protein function. This variant disrupts the p.Gly690 amino acid residue in ABCA4. Other variant(s) that disrupt this residue have been observed in individuals with ABCA4-related conditions (PMID: 15192030), which suggests that this may be a clinically significant amino acid residue. This sequence change replaces glycine, which is neutral and non-polar, with aspartic acid, which is acidic and polar, at codon 690 of the ABCA4 protein (p.Gly690Asp). This variant is not present in population databases (gnomAD no frequency). This missense change has been observed in individual(s) with Stargardt disease (PMID: 22661472; Invitae). ClinVar contains an entry for this variant (Variation ID: 957414). For these reasons, this variant has been classified as Pathogenic.

Literature cited by the submitters: PubMed 15192030; PubMed 22661472.

NM_000350.3(ABCA4):c.2069G>A (p.Gly690Asp)

Gene: ABCA4 (ATP binding cassette subfamily A member 4; minus strand). Cytogenetic location: 1p22.1.
Variant type: single nucleotide variant.
Coding change: c.2069G>A on transcript NM_000350.3 (MANE Select); coding-DNA position 2069, G replaced by A.
Protein change: p.Gly690Asp; replaces glycine 690 with aspartic acid.
Molecular consequence: missense variant.
Genome position (GRCh38, 1-based): chr1:94,060,628, C>T on the plus strand (G>A on the coding strand, the complement: ABCA4 is on the minus strand). VCF-style: chr1-94060628-C-T. GRCh37 (hg19) VCF-style: chr1-94526184-C-T.
Other names: c.2069G>A, p.Gly690Asp (NM_001425324.1); short protein forms G690D.
Identifiers: ClinVar variation 957414 (VCV000957414.9), dbSNP rs942734318, ClinGen allele CA26846450.